The following is an entry in ClinVar:

ClinVar aggregate classification (germline): Uncertain significance (1 of 4 stars; one submission).

Conditions:
Combined immunodeficiency due to OX40 deficiency. Also called: Immunodeficiency 16; OX40 DEFICIENCY. Identifiers: Orphanet 431149, MedGen C3810053, MONDO:0014268, OMIM 615593.

gnomAD v4.1: 28 of 1,586,800 alleles (0.0018%); highest among the groups gnomAD compares: African/African-American, 0.0027%; no homozygotes.

Submission:

Labcorp Genetics (formerly Invitae), Labcorp
Classification: Uncertain significance for Combined immunodeficiency due to OX40 deficiency. Last evaluated: 2024-03-20. Review status: criteria provided, single submitter. Criteria: Invitae Variant Classification Sherloc (09022015). Collection method: clinical testing. Allele origin: germline.
Comment: This sequence change replaces proline, which is neutral and non-polar, with leucine, which is neutral and non-polar, at codon 12 of the TNFRSF4 protein (p.Pro12Leu). This variant is present in population databases (rs771462465, gnomAD 0.01%). This variant has not been reported in the literature in individuals affected with TNFRSF4-related conditions. ClinVar contains an entry for this variant (Variation ID: 849970). Experimental studies and prediction algorithms are not available or were not evaluated, and the functional significance of this variant is currently unknown. In summary, the available evidence is currently insufficient to determine the role of this variant in disease. Therefore, it has been classified as a Variant of Uncertain Significance.

NM_003327.4(TNFRSF4):c.35C>T (p.Pro12Leu)

Gene: TNFRSF4 (TNF receptor superfamily member 4; minus strand). Cytogenetic location: 1p36.33.
Variant type: single nucleotide variant.
Coding change: c.35C>T on transcript NM_003327.4 (MANE Select); coding-DNA position 35, C replaced by T.
Protein change: p.Pro12Leu; replaces proline 12 with leucine.
Molecular consequence: missense variant.
Genome position (GRCh38, 1-based): chr1:1,214,093, G>A on the plus strand (C>T on the coding strand, the complement: TNFRSF4 is on the minus strand). VCF-style: chr1-1214093-G-A. GRCh37 (hg19) VCF-style: chr1-1149473-G-A.
Other names: short protein forms P12L.
Identifiers: ClinVar variation 849970 (VCV000849970.7), dbSNP rs771462465, ClinGen allele CA512700.